The following is an entry in ClinVar:

NM_000179.3(MSH6):c.697C>A (p.Pro233Thr)

Gene: MSH6 (mutS homolog 6; plus strand). Cytogenetic location: 2p16.3.
Variant type: single nucleotide variant.
Coding change: c.697C>A on transcript NM_000179.3 (MANE Select); coding-DNA position 697, C replaced by A.
Protein change: p.Pro233Thr; replaces proline 233 with threonine.
Molecular consequence: missense variant. On other transcripts: 5 prime UTR variant (9), non-coding transcript variant (4), intron variant (1).
Genome position (GRCh38, 1-based): chr2:47,798,680, C>A. VCF-style: chr2-47798680-C-A. GRCh37 (hg19) VCF-style: chr2-48025819-C-A.
Other names: c.307C>A, p.Pro103Thr (NM_001281492.2); c.-210C>A (NM_001281493.2, NM_001281494.2, NM_001406811.1 and 6 more transcripts); c.793C>A, p.Pro265Thr (NM_001406795.1, NM_001406802.1); c.697C>A, p.Pro233Thr (NM_001406796.1, NM_001406798.1, NM_001406800.1 and 4 more transcripts); c.400C>A, p.Pro134Thr (NM_001406797.1, NM_001406801.1, NM_001406805.1 and 10 more transcripts); c.172C>A, p.Pro58Thr (NM_001406799.1, NM_001406806.1, NM_001406807.1); c.619C>A, p.Pro207Thr (NM_001406804.1); c.703C>A, p.Pro235Thr (NM_001406813.1); and 2 more; short protein forms P103T, P134T, P177T, P207T, P233T, P235T, P265T, P58T.
Identifiers: ClinVar variation 4860386 (VCV004860386.1).

ClinVar aggregate classification (germline): Uncertain significance (1 of 4 stars; one submission).

Conditions:
Hereditary cancer-predisposing syndrome. Also called: Neoplastic Syndromes, Hereditary; Tumor predisposition; Hereditary Cancer Syndrome; Hereditary neoplastic syndrome. Identifiers: Orphanet 140162, MedGen C0027672, MeSH D009386, MONDO:0015356.

Submission:

Ambry Genetics
Classification: Uncertain significance for Hereditary cancer-predisposing syndrome. Last evaluated: 2026-03-29. Review status: criteria provided, single submitter. Criteria: Ambry Variant Classification Scheme 2023. Collection method: clinical testing. Allele origin: germline.
Comment: The p.P233T variant (also known as c.697C>A), located in coding exon 4 of the MSH6 gene, results from a C to A substitution at nucleotide position 697. The proline at codon 233 is replaced by threonine, an amino acid with highly similar properties. This amino acid position is conserved. In addition, the in silico prediction for this alteration is inconclusive. Based on the available evidence, the clinical significance of this variant remains unclear.